The following is an entry in ClinVar:

NM_002519.3(NPAT):c.1728C>G (p.His576Gln)

Gene: NPAT (nuclear protein, coactivator of histone transcription; minus strand). Cytogenetic location: 11q22.3.
Variant type: single nucleotide variant.
Coding change: c.1728C>G on transcript NM_002519.3 (MANE Select); coding-DNA position 1728, C replaced by G.
Protein change: p.His576Gln; replaces histidine 576 with glutamine.
Molecular consequence: missense variant.
Genome position (GRCh38, 1-based): chr11:108,173,256, G>C on the plus strand (C>G on the coding strand, the complement: NPAT is on the minus strand). VCF-style: chr11-108173256-G-C. GRCh37 (hg19) VCF-style: chr11-108043983-G-C.
Other names: c.1728C>G, p.His576Gln (NM_001321307.1); short protein forms H576Q.
Identifiers: ClinVar variation 3300690 (VCV003300690.1).

ClinVar aggregate classification (germline): Uncertain significance (1 of 4 stars; one submission).

Submission:

Ambry Genetics
Classification: Uncertain significance. Last evaluated: 2024-05-09. Review status: criteria provided, single submitter. Criteria: Ambry Variant Classification Scheme 2023. Collection method: clinical testing. Allele origin: germline.
Comment: The p.H576Q variant (also known as c.1728C>G), located in coding exon 13 of the NPAT gene, results from a C to G substitution at nucleotide position 1728. The histidine at codon 576 is replaced by glutamine, an amino acid with highly similar properties. This amino acid position is conserved. In addition, this alteration is predicted to be tolerated by in silico analysis. Based on the available evidence, the clinical significance of this variant remains unclear.